The following is an entry in ClinVar:

NM_000179.3(MSH6):c.2705T>A (p.Phe902Tyr)

Gene: MSH6 (mutS homolog 6; plus strand). Cytogenetic location: 2p16.3.
Variant type: single nucleotide variant.
Coding change: c.2705T>A on transcript NM_000179.3 (MANE Select); coding-DNA position 2705, T replaced by A.
Protein change: p.Phe902Tyr; replaces phenylalanine 902 with tyrosine.
Molecular consequence: missense variant.
Genome position (GRCh38, 1-based): chr2:47,800,688, T>A. VCF-style: chr2-47800688-T-A. GRCh37 (hg19) VCF-style: chr2-48027827-T-A.
Other names: c.2315T>A, p.Phe772Tyr (NM_001281492.2); c.1799T>A, p.Phe600Tyr (NM_001281493.2, NM_001281494.2); short protein forms F902Y, F600Y, F772Y.
Identifiers: ClinVar variation 644809 (VCV000644809.12), dbSNP rs1553414039, ClinGen allele CA346755326.

ClinVar aggregate classification (germline): Uncertain significance. Review status: criteria provided, multiple submitters, no conflicts (2 of 4 stars). 2 submissions from 2 submitters: Uncertain significance (2). Last evaluated 2024-01-01.

Conditions:
Hereditary nonpolyposis colorectal neoplasms. Identifiers: MedGen C0009405, MeSH D003123.
Hereditary cancer-predisposing syndrome. Also called: Hereditary Cancer Syndrome; Tumor predisposition; Hereditary neoplastic syndrome; Neoplastic Syndromes, Hereditary. Identifiers: Orphanet 140162, MedGen C0027672, MeSH D009386, MONDO:0015356.

Allele frequency attached by ClinVar (database versions not stated): gnomAD exomes below 0.00001.

Submissions (2):

Ambry Genetics
Classification: Uncertain significance for Hereditary cancer-predisposing syndrome. Last evaluated: 2024-01-01. Review status: criteria provided, single submitter. Criteria: Ambry Variant Classification Scheme 2023. Collection method: clinical testing. Allele origin: germline.
Comment: The p.F902Y variant (also known as c.2705T>A), located in coding exon 4 of the MSH6 gene, results from a T to A substitution at nucleotide position 2705. The phenylalanine at codon 902 is replaced by tyrosine, an amino acid with highly similar properties. This amino acid position is conserved. In addition, this alteration is predicted to be deleterious by in silico analysis. Since supporting evidence is limited at this time, the clinical significance of this alteration remains unclear.

Labcorp Genetics (formerly Invitae), Labcorp
Classification: Uncertain significance for Hereditary nonpolyposis colorectal neoplasms. Last evaluated: 2019-11-09. Review status: criteria provided, single submitter. Criteria: Invitae Variant Classification Sherloc (09022015). Collection method: clinical testing. Allele origin: germline.
Comment: In summary, the available evidence is currently insufficient to determine the role of this variant in disease. Therefore, it has been classified as a Variant of Uncertain Significance. Algorithms developed to predict the effect of missense changes on protein structure and function are either unavailable or do not agree on the potential impact of this missense change (SIFT: "Tolerated"; PolyPhen-2: "Probably Damaging"; Align-GVGD: "Class C0"). This variant has not been reported in the literature in individuals with MSH6-related disease. ClinVar contains an entry for this variant (Variation ID: 644809). This variant is not present in population databases (ExAC no frequency). This sequence change replaces phenylalanine with tyrosine at codon 902 of the MSH6 protein (p.Phe902Tyr). The phenylalanine residue is highly conserved and there is a small physicochemical difference between phenylalanine and tyrosine.